The following is an entry in ClinVar:

NM_032119.4(ADGRV1):c.12714G>C (p.Gln4238His)

Gene: ADGRV1 (adhesion G protein-coupled receptor V1; plus strand). Cytogenetic location: 5q14.3.
Variant type: single nucleotide variant.
Coding change: c.12714G>C on transcript NM_032119.4 (MANE Select); coding-DNA position 12714, G replaced by C.
Protein change: p.Gln4238His; replaces glutamine 4238 with histidine.
Molecular consequence: missense variant. On other transcripts: non-coding transcript variant (1).
Genome position (GRCh38, 1-based): chr5:90,778,474, G>C. VCF-style: chr5-90778474-G-C. GRCh37 (hg19) VCF-style: chr5-90074291-G-C.
Other names: short protein forms Q4238H.
Identifiers: ClinVar variation 3774040 (VCV003774040.1).

ClinVar aggregate classification (germline): Uncertain significance (1 of 4 stars; one submission).

gnomAD v4.1: 29 of 1,613,018 alleles (0.0018%); highest among the groups gnomAD compares: Non-Finnish European, 0.0024%; no homozygotes.

Submission:

GeneDx
Classification: Uncertain significance. Last evaluated: 2024-09-24. Review status: criteria provided, single submitter. Criteria: GeneDx Variant Classification Process June 2021. Collection method: clinical testing. Allele origin: germline. Affected: yes.
Comment: Not observed at significant frequency in large population cohorts (gnomAD); In silico analysis indicates that this missense variant does not alter protein structure/function; Has not been previously published as pathogenic or benign to our knowledge